The following is an entry in ClinVar:

NM_001142864.4(PIEZO1):c.1926C>T (p.Ile642=)

Genes: HSALR1 (HSP90AB1 associated lncRNA 1; plus strand), PIEZO1 (piezo type mechanosensitive ion channel component 1 (Er blood group); minus strand). Cytogenetic location: 16q24.3.
Variant type: single nucleotide variant.
Coding change: c.1926C>T on transcript NM_001142864.4 (MANE Select); coding-DNA position 1926, C replaced by T.
Protein change: p.Ile642=; no amino-acid change (isoleucine 642 retained).
Molecular consequence: synonymous variant.
Genome position (GRCh38, 1-based): chr16:88,734,721, G>A on the plus strand (C>T on the coding strand, the complement: PIEZO1 is on the minus strand). VCF-style: chr16-88734721-G-A. GRCh37 (hg19) VCF-style: chr16-88801129-G-A.
Identifiers: ClinVar variation 754938 (VCV000754938.5), dbSNP rs373501879, ClinGen allele CA286424584.

ClinVar aggregate classification (germline): Likely benign. Review status: criteria provided, single submitter (1 of 4 stars). 2 submissions from 2 submitters: Likely benign (1). 1 of the submissions does not count toward it. Last evaluated 2018-10-02.

Conditions:
PIEZO1-related disorder. Also called: PIEZO1-related condition; PIEZO1-Related Disorders.

Allele frequency attached by ClinVar (database versions not stated): gnomAD exomes below 0.00001 and 0.00001; TOPMed below 0.00001; ESP Exome Variant Server 0.00022.
gnomAD v4.1: 9 of 1,550,364 alleles (0.00058%); highest among the groups gnomAD compares: East Asian, 0.0073%; no homozygotes.

Submissions (2):

Labcorp Genetics (formerly Invitae), Labcorp
Classification: Likely benign. Last evaluated: 2018-10-02. Review status: criteria provided, single submitter. Criteria: Invitae Variant Classification Sherloc (09022015). Collection method: clinical testing. Allele origin: germline.

PreventionGenetics, part of Exact Sciences
Classification: Likely benign for PIEZO1-related condition. Last evaluated: 2022-10-03. Review status: no assertion criteria provided. Collection method: clinical testing. Allele origin: germline. Not counted in ClinVar's aggregate classification.
Comment: This variant is classified as likely benign based on ACMG/AMP sequence variant interpretation guidelines (Richards et al. 2015 PMID: 25741868, with internal and published modifications).